The following is an entry in ClinVar:

NM_004369.4(COL6A3):c.9418T>G (p.Phe3140Val)

Genes: COL6A3 (collagen type VI alpha 3 chain; minus strand), LOC126806573 (CDK7 strongly-dependent group 2 enhancer GRCh37_chr2:238233151-238234350; plus strand). Cytogenetic location: 2q37.3.
Variant type: single nucleotide variant.
Coding change: c.9418T>G on transcript NM_004369.4 (MANE Select); coding-DNA position 9418, T replaced by G.
Protein change: p.Phe3140Val; replaces phenylalanine 3140 with valine.
Molecular consequence: missense variant.
Genome position (GRCh38, 1-based): chr2:237,325,635, A>C on the plus strand (T>G on the coding strand, the complement: COL6A3 is on the minus strand). VCF-style: chr2-237325635-A-C. GRCh37 (hg19) VCF-style: chr2-238234278-A-C.
Other names: c.7597T>G, p.Phe2533Val (NM_057166.5); c.8800T>G, p.Phe2934Val (NM_057167.4); short protein forms F3140V, F2533V, F2934V.
Identifiers: ClinVar variation 282654 (VCV000282654.15), dbSNP rs886042448, ClinGen allele CA10604257.
Genomic context (GRCh38, chr2:237,325,635, plus strand): 5'-TTTCACATTCTTTCTGTGATCCAAATTTGTTTTCGTTTCCACCACAACCTCCATACCAGA[A>C]TCTTGCACAGCTTTTGGTGTTTGGATCATAGTACCATTTTAATATGAAATCCCTGCAAGT-3'
Protein context (NP_004360.2, residues 3130-3150): YDPNTKSCAR[Phe3140Val]WYGGCGGNEN

ClinVar aggregate classification (germline): Uncertain significance. Review status: criteria provided, multiple submitters, no conflicts (2 of 4 stars). 2 submissions from 2 submitters: Uncertain significance (2). Last evaluated 2020-02-17.

Conditions:
Bethlem myopathy 1A. Also called: Bethlem myopathy 1; MYOPATHY, BENIGN CONGENITAL, WITH CONTRACTURES; Bethlem Muscular Dystrophy. Identifiers: Orphanet 610, MedGen CN029274, MONDO:0024530, OMIM 158810.

Submissions (2):

Labcorp Genetics (formerly Invitae), Labcorp
Classification: Uncertain significance for Bethlem myopathy 1A. Last evaluated: 2020-02-17. Review status: criteria provided, single submitter. Criteria: Invitae Variant Classification Sherloc (09022015). Collection method: clinical testing. Allele origin: germline.
Comment: This sequence change replaces phenylalanine with valine at codon 3140 of the COL6A3 protein (p.Phe3140Val). The phenylalanine residue is highly conserved and there is a small physicochemical difference between phenylalanine and valine. This variant is not present in population databases (ExAC no frequency). This variant has been observed in individual(s) with clinical features of type VI collagenopathy (Invitae). In at least one individual the data is consistent with the variant being in trans (on the opposite chromosome) from a pathogenic variant. ClinVar contains an entry for this variant (Variation ID: 282654). Algorithms developed to predict the effect of missense changes on protein structure and function are either unavailable or do not agree on the potential impact of this missense change (SIFT: "Deleterious"; PolyPhen-2: "Not Available"; Align-GVGD: "Class C0"). In summary, the available evidence is currently insufficient to determine the role of this variant in disease. Therefore, it has been classified as a Variant of Uncertain Significance.

Eurofins Ntd Llc (ga)
Classification: Uncertain significance. Last evaluated: 2015-08-18. Review status: criteria provided, single submitter. Criteria: EGL Classification Definitions 2015. Collection method: clinical testing. Allele origin: germline. Observed: 1 variant allele, 1 heterozygote.